The following is an entry in ClinVar:

NM_002661.5(PLCG2):c.1221G>A (p.Glu407=)

Gene: PLCG2 (phospholipase C gamma 2; plus strand). Cytogenetic location: 16q23.3.
Variant type: single nucleotide variant.
Coding change: c.1221G>A on transcript NM_002661.5 (MANE Select); coding-DNA position 1221, G replaced by A.
Protein change: p.Glu407=; no amino-acid change (glutamic acid 407 retained).
Molecular consequence: synonymous variant.
Genome position (GRCh38, 1-based): chr16:81,900,639, G>A. VCF-style: chr16-81900639-G-A. GRCh37 (hg19) VCF-style: chr16-81934244-G-A.
Other names: p.Glu407=.
Identifiers: ClinVar variation 756825 (VCV000756825.9), dbSNP rs775409619, ClinGen allele CA8193672.
Genomic context (GRCh38, chr16:81,900,639, plus strand): 5'-CCTGCCGAGCTGCCCACCCTCTTCTGCCTGCAGCTTCCCAGTGATCCTGTCCATCGAGGA[G>A]CACTGCAGCGTGGAGCAACAGCGTCACATGGCCAAGGCCTTCAAGGAAGTATTTGGCGAC-3'
Protein context (NP_002652.2, residues 397-417): SSFPVILSIE[Glu407=]HCSVEQQRHM

ClinVar aggregate classification (germline): Likely benign. Review status: criteria provided, multiple submitters, no conflicts (2 of 4 stars). 2 submissions from 2 submitters: Likely benign (2). Last evaluated 2025-09-04.

Conditions:
Familial cold autoinflammatory syndrome 3 (FCAS3). Also called: ANTIBODY DEFICIENCY AND IMMUNE DYSREGULATION, PLCG2-ASSOCIATED; FAMILIAL ATYPICAL COLD URTICARIA. Identifiers: Orphanet 300359, MedGen C3280914, MONDO:0013766, OMIM 614468.

Allele frequency attached by ClinVar (database versions not stated): gnomAD exomes below 0.00001; ExAC 0.00001; gnomAD 0.00001.
gnomAD v4.1: 4 of 1,606,762 alleles (0.00025%); highest among the groups gnomAD compares: South Asian, 0.0022%; no homozygotes.

Submissions (2):

Mayo Clinic Laboratories, Mayo Clinic
Classification: Likely benign. Last evaluated: 2025-09-04. Review status: criteria provided, single submitter. Criteria: ACMG Guidelines, 2015. Collection method: clinical testing. Allele origin: germline. Observed: 1 variant allele.
Comment: BP4, BP7, PM2_supporting

Labcorp Genetics (formerly Invitae), Labcorp
Classification: Likely benign for Familial cold autoinflammatory syndrome 3. Last evaluated: 2025-04-08. Review status: criteria provided, single submitter. Criteria: Invitae Variant Classification Sherloc (09022015). Collection method: clinical testing. Allele origin: germline.